The following is an entry in ClinVar:

ClinVar aggregate classification (germline): Conflicting classifications of pathogenicity. Review status: criteria provided, conflicting classifications (1 of 4 stars). 2 submissions from 2 submitters: Likely pathogenic (1); Uncertain significance (1). Last evaluated 2021-07-05.

Conditions:
GTP cyclohydrolase I deficiency. Identifiers: MedGen C0268467, MONDO:0100184.
Dystonia 5 (DRD). Also called: DYSTONIA, PROGRESSIVE, WITH DIURNAL VARIATION; DYSTONIA-PARKINSONISM WITH DIURNAL FLUCTUATION; DYT-GCH1; GTP Cyclohydrolase 1-Deficient Dopa-Responsive Dystonia; Dystonia, DOPA-responsive, with or without hyperphenylalaninemia. Identifiers: Orphanet 98808, MedGen C1851920, MONDO:0007495, OMIM 128230.

Submissions (2):

Labcorp Genetics (formerly Invitae), Labcorp
Classification: Likely pathogenic for GTP cyclohydrolase I deficiency; Dystonia 5. Last evaluated: 2021-07-05. Review status: criteria provided, single submitter. Criteria: Invitae Variant Classification Sherloc (09022015). Collection method: clinical testing. Allele origin: germline.
Comment: In summary, the currently available evidence indicates that the variant is pathogenic, but additional data are needed to prove that conclusively. Therefore, this variant has been classified as Likely Pathogenic. This variant disrupts the p.Arg178 amino acid residue in GCH1. Other variant(s) that disrupt this residue have been determined to be pathogenic (PMID: 9120469, 10825351). This suggests that this residue is clinically significant, and that variants that disrupt this residue are likely to be disease-causing. This sequence change replaces arginine with glycine at codon 178 of the GCH1 protein (p.Arg178Gly). The arginine residue is highly conserved and there is a moderate physicochemical difference between arginine and glycine. This variant is not present in population databases (ExAC no frequency). This variant has been observed in individual(s) with dopa-responsive dystonia and/or primary dystonia (PMID: 15753436, Invitae). Algorithms developed to predict the effect of missense changes on protein structure and function (SIFT, PolyPhen-2, Align-GVGD) all suggest that this variant is likely to be disruptive, but these predictions have not been confirmed by published functional studies and their clinical significance is uncertain.

GeneDx
Classification: Uncertain significance. Last evaluated: 2019-10-30. Review status: criteria provided, single submitter. Criteria: GeneDx Variant Classification Process June 2021. Collection method: clinical testing. Allele origin: germline. Affected: yes.
Comment: Not observed in large population cohorts (Lek et al., 2016); In silico analysis, which includes protein predictors and evolutionary conservation, supports a deleterious effect; Different missense changes at this residue (R178S/c.534A>C and R178S/c.534A>T) have been reported in association with autosomal dominant dopa-responsive dystonia in the published literature (Beyer et al., 1997; Tassin et al., 2000); Identified in an individual with dopa-responsive dystonia and family history of dystonia in published literature, but familial segregation information was not included (Hagenah et al., 2005); This variant is associated with the following publications: (PMID: 25525159, 15753436)

Literature cited by the submitters: PubMed 9120469 (cited by Labcorp Genetics (formerly Invitae), Labcorp); PubMed 10825351 (cited by Labcorp Genetics (formerly Invitae), Labcorp); PubMed 15753436 (cited by Labcorp Genetics (formerly Invitae), Labcorp).

NM_000161.3(GCH1):c.532A>G (p.Arg178Gly)

Gene: GCH1 (GTP cyclohydrolase 1; minus strand). Cytogenetic location: 14q22.2.
Variant type: single nucleotide variant.
Coding change: c.532A>G on transcript NM_000161.3 (MANE Select); coding-DNA position 532, A replaced by G.
Protein change: p.Arg178Gly; replaces arginine 178 with glycine.
Molecular consequence: missense variant.
Genome position (GRCh38, 1-based): chr14:54,847,108, T>C on the plus strand (A>G on the coding strand, the complement: GCH1 is on the minus strand). VCF-style: chr14-54847108-T-C. GRCh37 (hg19) VCF-style: chr14-55313826-T-C.
Other names: c.532A>G, p.Arg178Gly (NM_001024024.2, NM_001024070.2, NM_001024071.2); short protein forms R178G.
Identifiers: ClinVar variation 1303138 (VCV001303138.9), dbSNP rs1594971274, ClinGen allele CA389787465.
Genomic context (GRCh38, chr14:54,847,108, plus strand): 5'-AAAGAAAAAAAAGAAAAATGTTTTCTGTTAATACAGATTTTTAAAGCTTACCTTGTAGTC[T>C]TCTACTATAGATTTCTACAATCCTAGAAAAGAAAGAATTGTTTTAGTTAATCACAAATCA-3'
Protein context (NP_000152.1, residues 168-188): LARIVEIYSR[Arg178Gly]LQVQERLTKQ